The following is an entry in ClinVar:

ClinVar aggregate classification (germline): Conflicting classifications of pathogenicity. Review status: criteria provided, conflicting classifications (1 of 4 stars). 5 submissions from 5 submitters: Uncertain significance (4); Likely benign (1). Last evaluated 2026-01-19.

Conditions:
Hereditary cancer-predisposing syndrome. Also called: Tumor predisposition; Hereditary Cancer Syndrome; Neoplastic Syndromes, Hereditary; Hereditary neoplastic syndrome. Identifiers: Orphanet 140162, MedGen C0027672, MeSH D009386, MONDO:0015356.
Gorlin syndrome. Also called: Basal cell nevus syndrome; Nevoid Basal Cell Carcinoma Syndrome. Identifiers: Orphanet 377, MedGen C0004779, MONDO:0007187.

Allele frequency attached by ClinVar (database versions not stated): gnomAD exomes below 0.00001; gnomAD 0.00001; TOPMed 0.00002.
gnomAD v4.1: 19 of 1,612,636 alleles (0.0012%); highest among the groups gnomAD compares: Non-Finnish European, 0.0016%; no homozygotes.

Submissions (5):

Labcorp Genetics (formerly Invitae), Labcorp
Classification: Uncertain significance for Gorlin syndrome. Last evaluated: 2026-01-19. Review status: criteria provided, single submitter. Criteria: Invitae Variant Classification Sherloc (09022015). Collection method: clinical testing. Allele origin: germline.
Comment: This sequence change replaces cysteine, which is neutral and slightly polar, with arginine, which is basic and polar, at codon 613 of the PTCH1 protein (p.Cys613Arg). This variant is present in population databases (no rsID available, gnomAD 0.0009%). This variant has not been reported in the literature in individuals affected with PTCH1-related conditions. ClinVar contains an entry for this variant (Variation ID: 453801). Invitae Evidence Modeling of protein sequence and biophysical properties (such as structural, functional, and spatial information, amino acid conservation, physicochemical variation, residue mobility, and thermodynamic stability) has been performed for this missense variant. However, the output from this modeling did not meet the statistical confidence thresholds required to predict the impact of this variant on PTCH1 protein function. In summary, the available evidence is currently insufficient to determine the role of this variant in disease. Therefore, it has been classified as a Variant of Uncertain Significance.

Center for Genomic Medicine, Rigshospitalet, Copenhagen University Hospital
Classification: Uncertain significance. Last evaluated: 2025-12-29. Review status: criteria provided, single submitter. Criteria: ACMG Guidelines, 2015. Collection method: clinical testing. Allele origin: germline.

GeneDx
Classification: Uncertain significance. Last evaluated: 2024-05-01. Review status: criteria provided, single submitter. Criteria: GeneDx Variant Classification Process June 2021. Collection method: clinical testing. Allele origin: germline. Affected: yes.
Comment: Not observed at significant frequency in large population cohorts (gnomAD); In silico analysis supports that this missense variant has a deleterious effect on protein structure/function; Has not been previously published as pathogenic or benign to our knowledge; This variant is associated with the following publications: (PMID: 11331587)

Ambry Genetics
Classification: Likely benign for Hereditary cancer-predisposing syndrome. Last evaluated: 2022-12-09. Review status: criteria provided, single submitter. Criteria: Ambry Variant Classification Scheme 2023. Collection method: clinical testing. Allele origin: germline.

Sema4
Classification: Uncertain significance for Hereditary cancer-predisposing syndrome. Last evaluated: 2021-12-10. Review status: criteria provided, single submitter. Criteria: Sema4 Curation Guidelines. Collection method: curation. Allele origin: germline.
Comment: The PTCH1 c.1837T>C (p.C613R) variant has not been reported in the literature to our knowledge. It was observed in 1/113768 chromosomes of the Non-Finnish European subpopulation in the large and broad cohorts of the Genome Aggregation Database (PMID: 32461654). This variant has been reported in ClinVar (Variation ID: 453801). In silico tools suggest the impact of the variant on protein function is deleterious, though these predictions have not been confirmed by functional studies. The evidence is insufficient to meet ACMG/AMP criteria for classifying the variant as benign or pathogenic. Thus, the clinical significance of this variant is currently uncertain.

NM_000264.5(PTCH1):c.1837T>C (p.Cys613Arg)

Genes: PTCH1 (patched 1; minus strand), LOC100507346 (uncharacterized LOC100507346; plus strand). Cytogenetic location: 9q22.32.
Variant type: single nucleotide variant.
Coding change: c.1837T>C on transcript NM_000264.5 (MANE Select); coding-DNA position 1837, T replaced by C.
Protein change: p.Cys613Arg; replaces cysteine 613 with arginine.
Molecular consequence: missense variant. On other transcripts: non-coding transcript variant (2).
Genome position (GRCh38, 1-based): chr9:95,469,823, A>G on the plus strand (T>C on the coding strand, the complement: PTCH1 is on the minus strand). VCF-style: chr9-95469823-A-G. GRCh37 (hg19) VCF-style: chr9-98232105-A-G.
Other names: c.1639T>C, p.Cys547Arg (NM_001083602.3); c.1834T>C, p.Cys612Arg (NM_001083603.3); c.1384T>C, p.Cys462Arg (NM_001083604.3, NM_001083605.3, NM_001083606.3 and 1 more transcripts); c.1681T>C, p.Cys561Arg (NM_001354918.2); short protein forms C613R, C547R, C612R, C462R, C561R.
Identifiers: ClinVar variation 453801 (VCV000453801.17), dbSNP rs948568790, ClinGen allele CA196587573.